The following is an entry in ClinVar:

NM_152703.5(SAMD9L):c.3938G>A (p.Cys1313Tyr)

Gene: SAMD9L (sterile alpha motif domain containing 9 like; minus strand). Cytogenetic location: 7q21.2.
Variant type: single nucleotide variant.
Coding change: c.3938G>A on transcript NM_152703.5 (MANE Select); coding-DNA position 3938, G replaced by A.
Protein change: p.Cys1313Tyr; replaces cysteine 1313 with tyrosine.
Molecular consequence: missense variant.
Genome position (GRCh38, 1-based): chr7:93,132,034, C>T on the plus strand (G>A on the coding strand, the complement: SAMD9L is on the minus strand). VCF-style: chr7-93132034-C-T. GRCh37 (hg19) VCF-style: chr7-92761347-C-T.
Other names: c.3938G>A, p.Cys1313Tyr (NM_001303496.3, NM_001303497.3, NM_001303498.3 and 5 more transcripts); short protein forms C1313Y.
Identifiers: ClinVar variation 3950018 (VCV003950018.1).

ClinVar aggregate classification (germline): Uncertain significance (1 of 4 stars; one submission).

Conditions:
Inborn genetic diseases. Identifiers: MedGen C0950123, MeSH D030342.

gnomAD v4.1: 1 of 1,613,452 alleles (0.000062%); highest among the groups gnomAD compares: African/African-American, 0.0013%; no homozygotes.

Submission:

Ambry Genetics
Classification: Uncertain significance for Inborn genetic diseases. Last evaluated: 2025-06-13. Review status: criteria provided, single submitter. Criteria: Ambry Variant Classification Scheme 2023. Collection method: clinical testing. Allele origin: germline.
Comment: The p.C1313Y variant (also known as c.3938G>A), located in coding exon 1 of the SAMD9L gene, results from a G to A substitution at nucleotide position 3938. The cysteine at codon 1313 is replaced by tyrosine, an amino acid with highly dissimilar properties. This amino acid position is conserved. In addition, this alteration is predicted to be tolerated by in silico analysis. Based on the available evidence, the clinical significance of this variant remains unclear.